The following is an entry in ClinVar:

ClinVar aggregate classification (germline): Likely benign (0 of 4 stars; one submission).

Conditions:
RPH3A-related condition.

gnomAD v4.1: 193 of 1,614,204 alleles (0.012%); highest among the groups gnomAD compares: South Asian, 0.17%; 1 homozygote.

Submission:

PreventionGenetics, part of Exact Sciences
Classification: Likely benign for RPH3A-related condition. Last evaluated: 2024-06-21. Review status: no assertion criteria provided. Collection method: clinical testing. Allele origin: germline.
Comment: This variant is classified as likely benign based on ACMG/AMP sequence variant interpretation guidelines (Richards et al. 2015 PMID: 25741868, with internal and published modifications).

NM_001143854.2(RPH3A):c.611-8T>G

Gene: RPH3A (rabphilin 3A; plus strand). Cytogenetic location: 12q24.13.
Variant type: single nucleotide variant.
Coding change: c.611-8T>G on transcript NM_001143854.2 (MANE Select); 8 bases into the intron before coding-DNA position 611, T replaced by G.
Molecular consequence: intron variant.
Genome position (GRCh38, 1-based): chr12:112,869,751, T>G. VCF-style: chr12-112869751-T-G. GRCh37 (hg19) VCF-style: chr12-113307556-T-G.
Other names: c.611-8T>G (NM_001347952.2, NM_001347953.1, NM_001347954.2); c.599-8T>G (NM_014954.4); c.410-8T>G (NM_001347955.2).
Identifiers: ClinVar variation 3351392 (VCV003351392.1).